The following is an entry in ClinVar:

ClinVar aggregate classification (germline): Uncertain significance (0 of 4 stars; one submission).

Conditions:
KIF5A-related disorder. Also called: KIF5A-related disorders; KIF5A-related condition.

gnomAD v4.1: 3 of 1,613,942 alleles (0.00019%); highest among the groups gnomAD compares: Non-Finnish European, 0.00025%; no homozygotes.

Submission:

PreventionGenetics, part of Exact Sciences
Classification: Uncertain significance for KIF5A-related condition. Last evaluated: 2024-03-06. Review status: no assertion criteria provided. Collection method: clinical testing. Allele origin: germline.
Comment: The KIF5A c.2166C>G variant is predicted to result in the amino acid substitution p.Asn722Lys. To our knowledge, this variant has not been reported in the literature or in a large population database, indicating this variant is rare. A different missense change impacting the same amino acid (c.2164A>G, p.Asn722Asp) has been reported de novo in an individual from a cohort study of patients with autism (Table S4: described as N633D, Lim et al. 2017. PubMed ID: 28714951). At this time, the clinical significance of the c.2166C>G (p.Asn722Lys) variant is uncertain due to the absence of conclusive functional and genetic evidence.

NM_004984.4(KIF5A):c.2166C>G (p.Asn722Lys)

Gene: KIF5A (kinesin family member 5A; plus strand). Cytogenetic location: 12q13.3.
Variant type: single nucleotide variant.
Coding change: c.2166C>G on transcript NM_004984.4 (MANE Select); coding-DNA position 2166, C replaced by G.
Protein change: p.Asn722Lys; replaces asparagine 722 with lysine.
Molecular consequence: missense variant.
Genome position (GRCh38, 1-based): chr12:57,576,346, C>G. VCF-style: chr12-57576346-C-G. GRCh37 (hg19) VCF-style: chr12-57970129-C-G.
Other names: c.1899C>G, p.Asn633Lys (NM_001354705.2); short protein forms N633K, N722K.
Identifiers: ClinVar variation 3348656 (VCV003348656.1).
Genomic context (GRCh38, chr12:57,576,346, plus strand): 5'-GATGGAGAGTCACCGGGAGGCCCATCACCGGCAGCTGGCCCGGCTCCGGGACGAGATCAA[C>G]GAGAAGCAGAAGACCATTGATGAGCTCAAAGAGTAAGGGTTCCCAAGGGCGACTCCAGCC-3'
Protein context (NP_004975.2, residues 712-732): RQLARLRDEI[Asn722Lys]EKQKTIDELK